The following is an entry in ClinVar:

NM_031263.4(HNRNPK):c.848T>A (p.Met283Lys)

Gene: HNRNPK (heterogeneous nuclear ribonucleoprotein K; minus strand). Cytogenetic location: 9q21.32.
Variant type: single nucleotide variant.
Coding change: c.848T>A on transcript NM_031263.4 (MANE Select); coding-DNA position 848, T replaced by A.
Protein change: p.Met283Lys; replaces methionine 283 with lysine.
Molecular consequence: missense variant.
Genome position (GRCh38, 1-based): chr9:83,971,987, A>T on the plus strand (T>A on the coding strand, the complement: HNRNPK is on the minus strand). VCF-style: chr9-83971987-A-T. GRCh37 (hg19) VCF-style: chr9-86586902-A-T.
Other names: c.776T>A, p.Met259Lys (NM_001318186.2, NM_001318187.2); c.848T>A, p.Met283Lys (NM_001318188.2, NM_002140.5, NM_031262.4); short protein forms M283K, M259K.
Identifiers: ClinVar variation 4741497 (VCV004741497.1).

ClinVar aggregate classification (germline): Uncertain significance (1 of 4 stars; one submission).

Submission:

Labcorp Genetics (formerly Invitae), Labcorp
Classification: Uncertain significance. Last evaluated: 2025-08-29. Review status: criteria provided, single submitter. Criteria: Invitae Variant Classification Sherloc (09022015). Collection method: clinical testing. Allele origin: germline.
Comment: This sequence change replaces methionine, which is neutral and non-polar, with lysine, which is basic and polar, at codon 283 of the HNRNPK protein (p.Met283Lys). This variant is not present in population databases (gnomAD no frequency). This variant has not been reported in the literature in individuals affected with HNRNPK-related conditions. Invitae Evidence Modeling of protein sequence and biophysical properties (such as structural, functional, and spatial information, amino acid conservation, physicochemical variation, residue mobility, and thermodynamic stability) indicates that this missense variant is not expected to disrupt HNRNPK protein function with a negative predictive value of 80%. In summary, the available evidence is currently insufficient to determine the role of this variant in disease. Therefore, it has been classified as a Variant of Uncertain Significance.